The following is an entry in ClinVar:

NM_020435.4(GJC2):c.440T>C (p.Met147Thr)

Gene: GJC2 (gap junction protein gamma 2; plus strand). Cytogenetic location: 1q42.13.
Variant type: single nucleotide variant.
Coding change: c.440T>C on transcript NM_020435.4 (MANE Select); coding-DNA position 440, T replaced by C.
Protein change: p.Met147Thr; replaces methionine 147 with threonine.
Molecular consequence: missense variant.
Genome position (GRCh38, 1-based): chr1:228,158,198, T>C. VCF-style: chr1-228158198-T-C. GRCh37 (hg19) VCF-style: chr1-228345899-T-C.
Other names: short protein forms M147T.
Identifiers: ClinVar variation 3099994 (VCV003099994.2), dbSNP rs908269724, ClinGen allele CA38727626.

ClinVar aggregate classification (germline): Uncertain significance. Review status: criteria provided, multiple submitters, no conflicts (2 of 4 stars). 2 submissions from 2 submitters: Uncertain significance (2). Last evaluated 2025-10-03.

Conditions:
Inborn genetic diseases. Identifiers: MedGen C0950123, MeSH D030342.
Spastic paraplegia. Identifiers: MedGen C0037772, HP:0001258.

Allele frequency attached by ClinVar (database versions not stated): gnomAD exomes below 0.00001; gnomAD 0.00007; TOPMed 0.00009.

Submissions (2):

Labcorp Genetics (formerly Invitae), Labcorp
Classification: Uncertain significance for Spastic paraplegia. Last evaluated: 2025-10-03. Review status: criteria provided, single submitter. Criteria: Invitae Variant Classification Sherloc (09022015). Collection method: clinical testing. Allele origin: germline.
Comment: This sequence change replaces methionine, which is neutral and non-polar, with threonine, which is neutral and polar, at codon 147 of the GJC2 protein (p.Met147Thr). This variant is present in population databases (no rsID available, gnomAD 0.007%). This variant has not been reported in the literature in individuals affected with GJC2-related conditions. ClinVar contains an entry for this variant (Variation ID: 3099994). Invitae Evidence Modeling of protein sequence and biophysical properties (such as structural, functional, and spatial information, amino acid conservation, physicochemical variation, residue mobility, and thermodynamic stability) has been performed for this missense variant. However, the output from this modeling did not meet the statistical confidence thresholds required to predict the impact of this variant on GJC2 protein function. In summary, the available evidence is currently insufficient to determine the role of this variant in disease. Therefore, it has been classified as a Variant of Uncertain Significance.

Ambry Genetics
Classification: Uncertain significance for Inborn genetic diseases. Last evaluated: 2024-01-09. Review status: criteria provided, single submitter. Criteria: Ambry Variant Classification Scheme 2023. Collection method: clinical testing. Allele origin: germline.